The following is an entry in ClinVar:

ClinVar aggregate classification (germline): Pathogenic. Review status: reviewed by expert panel (3 of 4 stars). 2 submissions from 2 submitters: Pathogenic (1). 1 of the submissions does not count toward it. Last evaluated 2016-10-18.

Conditions:
Breast-ovarian cancer, familial, susceptibility to, 2 (BROVCA2). Also called: BRCA2 Hereditary Breast and Ovarian Cancer. Identifiers: Orphanet 145, MedGen C2675520, MONDO:0012933, OMIM 612555. Disease mechanism: loss of function.

Submissions (2):

Evidence-based Network for the Interpretation of Germline Mutant Alleles (ENIGMA)
Classification: Pathogenic for Breast-ovarian cancer, familial, susceptibility to, 2. Last evaluated: 2016-10-18. Review status: reviewed by expert panel. Criteria: ENIGMA BRCA1/2 Classification Criteria (2015). Collection method: curation. Allele origin: germline.
Comment: Variant allele predicted to encode a truncated non-functional protein.

Consortium of Investigators of Modifiers of BRCA1/2 (CIMBA), c/o University of Cambridge
Classification: Pathogenic for Breast-ovarian cancer, familial, susceptibility to, 2. Last evaluated: 2015-10-02. Review status: criteria provided, single submitter. Criteria: CIMBA Mutation Classification guidelines May 2016. Collection method: clinical testing. Allele origin: germline. Not counted in ClinVar's aggregate classification.

NM_000059.4(BRCA2):c.5213del (p.Thr1738fs)

Gene: BRCA2 (BRCA2 DNA repair associated; plus strand). Cytogenetic location: 13q13.1.
Variant type: Deletion.
Coding change: c.5213del on transcript NM_000059.4 (MANE Select); coding-DNA position 5213, one base deleted (C; older notation c.5213delC).
Protein change: p.Thr1738fs; shifts the reading frame from threonine 1738.
Molecular consequence: frameshift variant.
Genome position (GRCh38, 1-based): chr13:32,339,568, C deleted. VCF-style (leftmost placement, unchanged base first): chr13-32339567-AC-A. GRCh37 (hg19) VCF-style: chr13-32913704-AC-A.
Other names: 5441del; short protein forms T1738fs.
Identifiers: ClinVar variation 266860 (VCV000266860.5), dbSNP rs886040577, ClinGen allele CA10589297.
Genomic context (GRCh38, chr13:32,339,567, plus strand): 5'-AATAATTCAAACAGTACTATAGCTGAAAATGACAAAAATCATCTCTCCGAAAAACAAGAT[AC>A]TTATTTAAGTAACAGTAGCATGTCTAACAGCTATTCCTACCATTCTGATGAGGTATATAA-3'